The following is an entry in ClinVar:

NM_000492.4(CFTR):c.2921A>G (p.Asn974Ser)

Genes: CFTR (CF transmembrane conductance regulator; plus strand), CFTR-AS2 (CFTR antisense RNA 2; minus strand). Cytogenetic location: 7q31.2.
Variant type: single nucleotide variant.
Coding change: c.2921A>G on transcript NM_000492.4 (MANE Select); coding-DNA position 2921, A replaced by G.
Protein change: p.Asn974Ser; replaces asparagine 974 with serine.
Molecular consequence: missense variant.
Genome position (GRCh38, 1-based): chr7:117,606,686, A>G. VCF-style: chr7-117606686-A-G. GRCh37 (hg19) VCF-style: chr7-117246740-A-G.
Other names: short protein forms N974S.
Identifiers: ClinVar variation 3491615 (VCV003491615.1).

ClinVar aggregate classification (germline): Uncertain significance (1 of 4 stars; one submission).

Conditions:
Cystic fibrosis (CF). Also called: MUCOVISCIDOSIS. Identifiers: Orphanet 586, MedGen C0010674, MONDO:0009061, OMIM 219700. Disease mechanism: loss of function.

Submission:

Ambry Genetics
Classification: Uncertain significance for Cystic fibrosis. Last evaluated: 2024-07-11. Review status: criteria provided, single submitter. Criteria: Ambry Variant Classification Scheme 2023. Collection method: clinical testing. Allele origin: germline.
Comment: The p.N974S variant (also known as c.2921A>G), located in coding exon 18 of the CFTR gene, results from an A to G substitution at nucleotide position 2921. The asparagine at codon 974 is replaced by serine, an amino acid with highly similar properties. This amino acid position is highly conserved in available vertebrate species. In addition, the in silico prediction for this alteration is inconclusive. Based on the available evidence, the clinical significance of this variant remains unclear.